The following is an entry in ClinVar:

NM_144988.4(ALG14):c.552C>T (p.Ser184=)

Gene: ALG14 (ALG14 UDP-N-acetylglucosaminyltransferase subunit; minus strand). Cytogenetic location: 1p21.3.
Variant type: single nucleotide variant.
Coding change: c.552C>T on transcript NM_144988.4 (MANE Select); coding-DNA position 552, C replaced by T.
Protein change: p.Ser184=; no amino-acid change (serine 184 retained).
Molecular consequence: synonymous variant. On other transcripts: 3 prime UTR variant (1), non-coding transcript variant (1).
Genome position (GRCh38, 1-based): chr1:94,983,175, G>A on the plus strand (C>T on the coding strand, the complement: ALG14 is on the minus strand). VCF-style: chr1-94983175-G-A. GRCh37 (hg19) VCF-style: chr1-95448731-G-A.
Other names: c.*121C>T (NM_001305242.2).
Identifiers: ClinVar variation 475366 (VCV000475366.16), dbSNP rs148202016, ClinGen allele CA961753.

ClinVar aggregate classification (germline): Likely benign. Review status: criteria provided, multiple submitters, no conflicts (2 of 4 stars). 2 submissions from 2 submitters: Likely benign (2). Last evaluated 2026-03-01.

Conditions:
Congenital myasthenic syndrome 15. Also called: Myasthenic syndrome, congenital, 15, without tubular aggregates. Identifiers: Orphanet 353327, Orphanet 590, MedGen C4015596, MONDO:0014542, OMIM 616227.

Allele frequency attached by ClinVar (database versions not stated): gnomAD exomes 0.00009 and 0.00014; ExAC 0.00021; gnomAD 0.00055 and 0.00059; TOPMed 0.00067; ESP Exome Variant Server 0.00085; 1000 Genomes Project 30x 0.00094; 1000 Genomes Project 0.00100.
gnomAD v4.1: 218 of 1,614,084 alleles (0.014%); highest among the groups gnomAD compares: African/African-American, 0.22%; no homozygotes.

Submissions (2):

CeGaT Center for Human Genetics Tuebingen
Classification: Likely benign. Last evaluated: 2026-03-01. Review status: criteria provided, single submitter. Criteria: CeGaT Center For Human Genetics Tuebingen Variant Classification Criteria Version 2. Collection method: clinical testing. Allele origin: germline. Affected: yes. Observed: 1 variant allele.
Comment: ALG14: BP4, BP7

Labcorp Genetics (formerly Invitae), Labcorp
Classification: Likely benign for Congenital myasthenic syndrome 15. Last evaluated: 2025-11-17. Review status: criteria provided, single submitter. Criteria: Invitae Variant Classification Sherloc (09022015). Collection method: clinical testing. Allele origin: germline.